The following is an entry in ClinVar:

ClinVar aggregate classification (germline): Uncertain significance. Review status: criteria provided, multiple submitters, no conflicts (2 of 4 stars). 2 submissions from 2 submitters: Uncertain significance (2). Last evaluated 2025-06-09.

Conditions:
Arrhythmogenic cardiomyopathy with wooly hair and keratoderma. Also called: PALMOPLANTAR KERATODERMA WITH LEFT VENTRICULAR CARDIOMYOPATHY AND WOOLLY HAIR; Carvajal syndrome; Dilated cardiomyopathy with woolly hair and keratoderma; Arrhythmogenic cardiomyopathy with woolly hair and keratoderma. Identifiers: Orphanet 65282, MedGen C1854063, MONDO:0011581, OMIM 605676.
Arrhythmogenic right ventricular dysplasia 8 (ARVD8). Also called: Arrhythmogenic Right Ventricular Dysplasia/Cardiomyopathy 8; ARRHYTHMOGENIC RIGHT VENTRICULAR DYSPLASIA, FAMILIAL, 8; ARRHYTHMOGENIC RIGHT VENTRICULAR CARDIOMYOPATHY 8. Identifiers: MedGen C1843896, MONDO:0011831, OMIM 607450.
Cardiomyopathy (CMYO). Also called: Cardiomyopathies. Identifiers: Orphanet 167848, MedGen C0878544, MONDO:0004994, HP:0001638. Inheritance: Various modes of inheritance.

Submissions (2):

Color Diagnostics, LLC DBA Color Health
Classification: Uncertain significance for Cardiomyopathy. Last evaluated: 2025-06-09. Review status: criteria provided, single submitter. Criteria: ACMG Guidelines, 2015. Collection method: clinical testing. Allele origin: germline.
Comment: This missense variant replaces isoleucine with valine at codon 1320 of the DSP protein. Computational prediction suggests that this variant may not impact protein structure and function. To our knowledge, functional studies have not been reported for this variant. This variant has not been reported in individuals affected with DSP-related disorders in the literature. This variant has been identified in 1/250724 chromosomes in the general population by the Genome Aggregation Database (gnomAD). The available evidence is insufficient to determine the role of this variant in disease conclusively. Therefore, this variant is classified as a Variant of Uncertain Significance.

Labcorp Genetics (formerly Invitae), Labcorp
Classification: Uncertain significance for Arrhythmogenic cardiomyopathy with wooly hair and keratoderma; Arrhythmogenic right ventricular dysplasia 8. Last evaluated: 2023-08-30. Review status: criteria provided, single submitter. Criteria: Invitae Variant Classification Sherloc (09022015). Collection method: clinical testing. Allele origin: germline.
Comment: In summary, the available evidence is currently insufficient to determine the role of this variant in disease. Therefore, it has been classified as a Variant of Uncertain Significance. An algorithm developed to predict the effect of missense changes on protein structure and function (PolyPhen-2) suggests that this variant is likely to be disruptive. This variant has not been reported in the literature in individuals affected with DSP-related conditions. This variant is present in population databases (no rsID available, gnomAD 0.0009%). This sequence change replaces isoleucine, which is neutral and non-polar, with valine, which is neutral and non-polar, at codon 1320 of the DSP protein (p.Ile1320Val).

NM_004415.4(DSP):c.3958A>G (p.Ile1320Val)

Gene: DSP (desmoplakin; plus strand). Cytogenetic location: 6p24.3.
Variant type: single nucleotide variant.
Coding change: c.3958A>G on transcript NM_004415.4 (MANE Select); coding-DNA position 3958, A replaced by G.
Protein change: p.Ile1320Val; replaces isoleucine 1320 with valine.
Molecular consequence: missense variant. On other transcripts: intron variant (1).
Genome position (GRCh38, 1-based): chr6:7,580,148, A>G. VCF-style: chr6-7580148-A-G. GRCh37 (hg19) VCF-style: chr6-7580381-A-G.
Other names: c.3958A>G, p.Ile1320Val (NM_001319034.2); c.3582+376A>G (NM_001008844.3); short protein forms I1320V.
Identifiers: ClinVar variation 2950261 (VCV002950261.4), dbSNP rs1375007506, ClinGen allele CA362685227.